The following is an entry in ClinVar:

NM_031206.7(LAS1L):c.1740GGA[2] (p.Glu584del)

Gene: LAS1L (LAS1 like ribosome biogenesis factor; minus strand). Cytogenetic location: Xq12.
Variant type: Microsatellite.
Coding change: c.1740GGA[2] on transcript NM_031206.7 (MANE Select); two copies in a row of the 3-base unit GGA starting at c.1740; the reference has three copies in a row; one copy, 3 bases deleted.
Protein change: p.Glu584del; deletes glutamic acid 584.
Molecular consequence: inframe deletion. On other transcripts: non-coding transcript variant (1).
Genome position (GRCh38, 1-based): chrX:65,518,166-65,518,168, TCC deleted on the plus strand (GGA on the coding strand, the reverse complement: LAS1L is on the minus strand); deleting any 3 consecutive bases within chrX:65,518,166-65,518,176 gives the same sequence; the position shown is the placement nearest the transcript's 3' end. VCF-style (leftmost placement, unchanged base first): chrX-65518165-TTCC-T. GRCh37 (hg19) VCF-style: chrX-64738045-TTCC-T.
Other names: c.1689GGA[2], p.Glu567del (NM_001170649.2, NM_001375333.1); c.1563GGA[2], p.Glu525del (NM_001170650.2); c.1740GGA[2], p.Glu584del (NM_001375328.1); c.783GGA[2], p.Glu265del (NM_001375332.1); short protein forms E265del, E525del, E567del, E584del.
Identifiers: ClinVar variation 2578058 (VCV002578058.2), dbSNP rs2522503076, ClinGen allele CA2579661053.

ClinVar aggregate classification (germline): Uncertain significance (1 of 4 stars; one submission).

Submission:

GeneDx
Classification: Uncertain significance. Last evaluated: 2025-04-15. Review status: criteria provided, single submitter. Criteria: GeneDx Variant Classification Process June 2021. Collection method: clinical testing. Allele origin: germline. Affected: yes.
Comment: Not observed at significant frequency in large population cohorts (gnomAD); In silico analysis indicates that this variant does not alter protein structure/function; Has not been previously published as pathogenic or benign to our knowledge; In-frame deletion of 1 amino acid in a non-repeat region